The following is an entry in ClinVar:

ClinVar aggregate classification (germline): Conflicting classifications of pathogenicity. Review status: criteria provided, conflicting classifications (1 of 4 stars). 2 submissions from 2 submitters: Uncertain significance (1); Likely benign (1). Last evaluated 2025-09-16.

Conditions:
Emery-Dreifuss muscular dystrophy 5, autosomal dominant (EDMD5). Also called: EMERY-DREIFUSS MUSCULAR DYSTROPHY 5. Identifiers: Orphanet 261, MedGen C2751805, MONDO:0013072, OMIM 612999.

Allele frequency attached by ClinVar (database versions not stated): gnomAD exomes 0.00002 and 0.00004; ExAC 0.00005; ESP Exome Variant Server 0.00017; gnomAD 0.00019 and 0.00021; 1000 Genomes Project 0.00020; TOPMed 0.00026; 1000 Genomes Project 30x 0.00031.
gnomAD v4.1: 54 of 1,614,144 alleles (0.0033%); highest among the groups gnomAD compares: African/African-American, 0.067%; no homozygotes.

Submissions (2):

Labcorp Genetics (formerly Invitae), Labcorp
Classification: Uncertain significance for Emery-Dreifuss muscular dystrophy 5, autosomal dominant. Last evaluated: 2025-09-16. Review status: criteria provided, single submitter. Criteria: Invitae Variant Classification Sherloc (09022015). Collection method: clinical testing. Allele origin: germline.
Comment: This sequence change replaces glutamic acid, which is acidic and polar, with lysine, which is basic and polar, at codon 2878 of the SYNE2 protein (p.Glu2878Lys). This variant is present in population databases (rs61744386, gnomAD 0.07%), and has an allele count higher than expected for a pathogenic variant. This variant has not been reported in the literature in individuals affected with SYNE2-related conditions. ClinVar contains an entry for this variant (Variation ID: 971302). An algorithm developed to predict the effect of missense changes on protein structure and function outputs the following: PolyPhen-2: "Benign". The lysine amino acid residue is found in multiple mammalian species, which suggests that this missense change does not adversely affect protein function. In summary, the available evidence is currently insufficient to determine the role of this variant in disease. Therefore, it has been classified as a Variant of Uncertain Significance.

Ambry Genetics
Classification: Likely benign. Last evaluated: 2022-07-08. Review status: criteria provided, single submitter. Criteria: Ambry Variant Classification Scheme 2023. Collection method: clinical testing. Allele origin: germline.

NM_182914.3(SYNE2):c.8632G>A (p.Glu2878Lys)

Gene: SYNE2 (spectrin repeat containing nuclear envelope protein 2; plus strand). Cytogenetic location: 14q23.2.
Variant type: single nucleotide variant.
Coding change: c.8632G>A on transcript NM_182914.3 (MANE Select); coding-DNA position 8632, G replaced by A.
Protein change: p.Glu2878Lys; replaces glutamic acid 2878 with lysine.
Molecular consequence: missense variant.
Genome position (GRCh38, 1-based): chr14:64,052,545, G>A. VCF-style: chr14-64052545-G-A. GRCh37 (hg19) VCF-style: chr14-64519263-G-A.
Other names: c.8632G>A, p.Glu2878Lys (NM_015180.6); short protein forms E2878K.
Identifiers: ClinVar variation 971302 (VCV000971302.9), dbSNP rs61744386, ClinGen allele CA7221142.